The following is an entry in ClinVar:

ClinVar aggregate classification (germline): Benign. Review status: criteria provided, multiple submitters, no conflicts (2 of 4 stars). 4 submissions from 4 submitters: Benign (3). 1 of the submissions does not count toward it. Last evaluated 2026-01-19.

Conditions:
MFSD2A-related disorder. Also called: MFSD2A-related condition.

Allele frequency attached by ClinVar (database versions not stated): ESP Exome Variant Server 0.00015; gnomAD 0.00043 and 0.00333; TOPMed 0.00122; gnomAD exomes 0.00523 and 0.01120; ExAC 0.01273; 1000 Genomes Project 30x 0.02061; 1000 Genomes Project 0.02137.
gnomAD v4.1: 8,122 of 1,614,168 alleles (0.5%); highest among the groups gnomAD compares: South Asian, 7.8%; 368 homozygotes.

Submissions (4):

Labcorp Genetics (formerly Invitae), Labcorp
Classification: Benign. Last evaluated: 2026-01-19. Review status: criteria provided, single submitter. Criteria: Invitae Variant Classification Sherloc (09022015). Collection method: clinical testing. Allele origin: germline.

GeneDx
Classification: Benign. Last evaluated: 2021-05-06. Review status: criteria provided, single submitter. Criteria: GeneDx Variant Classification Process June 2021. Collection method: clinical testing. Allele origin: germline. Affected: yes.

Breakthrough Genomics
Classification: Benign. Review status: criteria provided, single submitter. Criteria: ACMG Guidelines, 2015. Collection method: not provided. Allele origin: germline. Inheritance: Autosomal recessive inheritance. Affected: yes.

PreventionGenetics, part of Exact Sciences
Classification: Benign for MFSD2A-related condition. Last evaluated: 2019-05-20. Review status: no assertion criteria provided. Collection method: clinical testing. Allele origin: germline. Not counted in ClinVar's aggregate classification.
Comment: This variant is classified as benign based on ACMG/AMP sequence variant interpretation guidelines (Richards et al. 2015 PMID: 25741868, with internal and published modifications).

NM_032793.5(MFSD2A):c.378C>T (p.Ala126=)

Gene: MFSD2A (MFSD2 lysolipid transporter A, lysophospholipid; plus strand). Cytogenetic location: 1p34.2.
Variant type: single nucleotide variant.
Coding change: c.378C>T on transcript NM_032793.5 (MANE Select); coding-DNA position 378, C replaced by T.
Protein change: p.Ala126=; no amino-acid change (alanine 126 retained).
Molecular consequence: synonymous variant. On other transcripts: 5 prime UTR variant (1), non-coding transcript variant (1).
Genome position (GRCh38, 1-based): chr1:39,965,235, C>T. VCF-style: chr1-39965235-C-T. GRCh37 (hg19) VCF-style: chr1-40430907-C-T.
Other names: c.417C>T, p.Ala139= (NM_001136493.3); c.-91C>T (NM_001287808.2); c.267C>T, p.Ala89= (NM_001287809.2); c.372C>T, p.Ala124= (NM_001349821.2); c.378C>T, p.Ala126= (NM_001349822.2); c.33C>T, p.Ala11= (NM_001349823.2).
Identifiers: ClinVar variation 1238765 (VCV001238765.14), dbSNP rs115805986, ClinGen allele CA788619.